The following is an entry in ClinVar:

ClinVar aggregate classification (germline): Uncertain significance (1 of 4 stars; one submission).

Conditions:
Infantile neuroaxonal dystrophy (NBIA2A). Also called: NEURODEGENERATION WITH BRAIN IRON ACCUMULATION 2A; SEITELBERGER DISEASE; Infantile neuroaxonal dystrophy 1. Identifiers: Orphanet 35069, MedGen C0270724, MONDO:0024457, OMIM 256600.

Allele frequency attached by ClinVar (database versions not stated): gnomAD 0.00001; TOPMed 0.00001.
gnomAD v4.1: 1 of 1,548,760 alleles (0.000065%); highest among the groups gnomAD compares: Admixed American, 0.002%; no homozygotes.

Submission:

Labcorp Genetics (formerly Invitae), Labcorp
Classification: Uncertain significance for Infantile neuroaxonal dystrophy. Last evaluated: 2022-08-16. Review status: criteria provided, single submitter. Criteria: Invitae Variant Classification Sherloc (09022015). Collection method: clinical testing. Allele origin: germline.
Comment: This sequence change replaces histidine, which is basic and polar, with arginine, which is basic and polar, at codon 530 of the PLA2G6 protein (p.His530Arg). This variant is not present in population databases (gnomAD no frequency). This variant has not been reported in the literature in individuals affected with PLA2G6-related conditions. ClinVar contains an entry for this variant (Variation ID: 1406365). Algorithms developed to predict the effect of missense changes on protein structure and function are either unavailable or do not agree on the potential impact of this missense change (SIFT: "Tolerated"; PolyPhen-2: "Possibly Damaging"; Align-GVGD: "Class C0"). In summary, the available evidence is currently insufficient to determine the role of this variant in disease. Therefore, it has been classified as a Variant of Uncertain Significance.

NM_003560.4(PLA2G6):c.1589A>G (p.His530Arg)

Gene: PLA2G6 (phospholipase A2 group VI; minus strand). Cytogenetic location: 22q13.1.
Variant type: single nucleotide variant.
Coding change: c.1589A>G on transcript NM_003560.4 (MANE Select); coding-DNA position 1589, A replaced by G.
Protein change: p.His530Arg; replaces histidine 530 with arginine.
Molecular consequence: missense variant.
Genome position (GRCh38, 1-based): chr22:38,123,097, T>C on the plus strand (A>G on the coding strand, the complement: PLA2G6 is on the minus strand). VCF-style: chr22-38123097-T-C. GRCh37 (hg19) VCF-style: chr22-38519104-T-C.
Other names: c.911A>G, p.His304Arg (NM_001349868.2); c.893A>G, p.His298Arg (NM_001349869.2); c.1427A>G, p.His476Arg (NM_001004426.3, NM_001199562.3, NM_001349865.2 and 1 more transcripts); c.1589A>G, p.His530Arg (NM_001349864.2); c.1055A>G, p.His352Arg (NM_001349867.2); short protein forms H298R, H352R, H530R, H304R, H476R.
Identifiers: ClinVar variation 1406365 (VCV001406365.4), dbSNP rs2087618064, ClinGen allele CA411527768.
Genomic context (GRCh38, chr22:38,123,097, plus strand): 5'-CCCCTTGAGGACACAGGTCTCAGCCCCGCCTGGCCCCATCCCCAGGGGCCGCCCTCACTG[T>C]GCAGAATGGCCAGGGCCAGGATGCCTCCAGTGCTGGTGCCCGCCACCCAGTCAAACAGGT-3'
Protein context (NP_003551.2, residues 520-540): TGGILALAIL[His530Arg]SKSMAYMRGM